The following is an entry in ClinVar:

ClinVar aggregate classification (germline): Uncertain significance (1 of 4 stars; one submission).

Conditions:
Cystic fibrosis (CF). Also called: MUCOVISCIDOSIS. Identifiers: Orphanet 586, MedGen C0010674, MONDO:0009061, OMIM 219700. Disease mechanism: loss of function.

Allele frequency attached by ClinVar (database versions not stated): gnomAD exomes below 0.00001.
gnomAD v4.1: 1 of 1,613,790 alleles (0.000062%); highest among the groups gnomAD compares: Non-Finnish European, 0.000085%; no homozygotes.

Submission:

Labcorp Genetics (formerly Invitae), Labcorp
Classification: Uncertain significance for Cystic fibrosis. Last evaluated: 2022-11-22. Review status: criteria provided, single submitter. Criteria: Invitae Variant Classification Sherloc (09022015). Collection method: clinical testing. Allele origin: germline.
Comment: In summary, the available evidence is currently insufficient to determine the role of this variant in disease. Therefore, it has been classified as a Variant of Uncertain Significance. Advanced modeling of protein sequence and biophysical properties (such as structural, functional, and spatial information, amino acid conservation, physicochemical variation, residue mobility, and thermodynamic stability) performed at Invitae indicates that this missense variant is not expected to disrupt CFTR protein function. This variant has not been reported in the literature in individuals affected with CFTR-related conditions. This variant is not present in population databases (gnomAD no frequency). This sequence change replaces glycine, which is neutral and non-polar, with valine, which is neutral and non-polar, at codon 691 of the CFTR protein (p.Gly691Val).

NM_000492.4(CFTR):c.2072G>T (p.Gly691Val)

Gene: CFTR (CF transmembrane conductance regulator; plus strand). Cytogenetic location: 7q31.2.
Variant type: single nucleotide variant.
Coding change: c.2072G>T on transcript NM_000492.4 (MANE Select); coding-DNA position 2072, G replaced by T.
Protein change: p.Gly691Val; replaces glycine 691 with valine.
Molecular consequence: missense variant.
Genome position (GRCh38, 1-based): chr7:117,592,239, G>T. VCF-style: chr7-117592239-G-T. GRCh37 (hg19) VCF-style: chr7-117232293-G-T.
Other names: short protein forms G691V.
Identifiers: ClinVar variation 2108858 (VCV002108858.4), dbSNP rs1792040584, ClinGen allele CA368979562.